The following is an entry in ClinVar:

NM_001458.5(FLNC):c.5820C>A (p.Ser1940Arg)

Genes: FLNC (filamin C; plus strand), FLNC-AS1 (FLNC antisense RNA 1; minus strand). Cytogenetic location: 7q32.1.
Variant type: single nucleotide variant.
Coding change: c.5820C>A on transcript NM_001458.5 (MANE Select); coding-DNA position 5820, C replaced by A.
Protein change: p.Ser1940Arg; replaces serine 1940 with arginine.
Molecular consequence: missense variant.
Genome position (GRCh38, 1-based): chr7:128,851,606, C>A. VCF-style: chr7-128851606-C-A. GRCh37 (hg19) VCF-style: chr7-128491660-C-A.
Other names: c.5721C>A, p.Ser1907Arg (NM_001127487.2); short protein forms S1907R, S1940R.
Identifiers: ClinVar variation 4073609 (VCV004073609.1).

ClinVar aggregate classification (germline): Likely pathogenic (1 of 4 stars; one submission).

Conditions:
Hypertrophic cardiomyopathy 26. Also called: Cardiomyopathy, familial hypertrophic, 26. Identifiers: Orphanet 75249, MedGen C4310749, MONDO:0014883, OMIM 617047.

Submission:

Institute of Medical Genetics and Applied Genomics, University Hospital Tübingen
Classification: Likely pathogenic for Hypertrophic cardiomyopathy 26. Last evaluated: 2025-08-11. Review status: criteria provided, single submitter. Criteria: ACMG Guidelines, 2015. Collection method: clinical testing. Allele origin: de novo. Inheritance: Autosomal dominant inheritance. Affected: yes.